The following is an entry in ClinVar:

NM_152703.5(SAMD9L):c.1216C>G (p.Arg406Gly)

Gene: SAMD9L (sterile alpha motif domain containing 9 like; minus strand). Cytogenetic location: 7q21.2.
Variant type: single nucleotide variant.
Coding change: c.1216C>G on transcript NM_152703.5 (MANE Select); coding-DNA position 1216, C replaced by G.
Protein change: p.Arg406Gly; replaces arginine 406 with glycine.
Molecular consequence: missense variant.
Genome position (GRCh38, 1-based): chr7:93,134,756, G>C on the plus strand (C>G on the coding strand, the complement: SAMD9L is on the minus strand). VCF-style: chr7-93134756-G-C. GRCh37 (hg19) VCF-style: chr7-92764069-G-C.
Other names: c.1216C>G, p.Arg406Gly (NM_001303496.3, NM_001303497.3, NM_001303498.3 and 5 more transcripts); short protein forms R406G.
Identifiers: ClinVar variation 3437156 (VCV003437156.1).

ClinVar aggregate classification (germline): Uncertain significance (1 of 4 stars; one submission).

Conditions:
Inborn genetic diseases. Identifiers: MedGen C0950123, MeSH D030342.

Submission:

Ambry Genetics
Classification: Uncertain significance for Inborn genetic diseases. Last evaluated: 2024-11-22. Review status: criteria provided, single submitter. Criteria: Ambry Variant Classification Scheme 2023. Collection method: clinical testing. Allele origin: germline.
Comment: The p.R406G variant (also known as c.1216C>G), located in coding exon 1 of the SAMD9L gene, results from a C to G substitution at nucleotide position 1216. The arginine at codon 406 is replaced by glycine, an amino acid with dissimilar properties. This amino acid position is conserved. In addition, this alteration is predicted to be tolerated by in silico analysis. Based on the available evidence, the clinical significance of this variant remains unclear.